The following is an entry in ClinVar:

ClinVar aggregate classification (germline): Uncertain significance. Review status: criteria provided, multiple submitters, no conflicts (2 of 4 stars). 2 submissions from 2 submitters: Uncertain significance (2). Last evaluated 2026-09-11.

Conditions:
Hereditary cancer-predisposing syndrome. Also called: Hereditary neoplastic syndrome; Neoplastic Syndromes, Hereditary; Tumor predisposition; Hereditary Cancer Syndrome. Identifiers: Orphanet 140162, MedGen C0027672, MeSH D009386, MONDO:0015356.
Retinoblastoma (RB1). Also called: RETINOBLASTOMA, SOMATIC. Identifiers: Orphanet 790, MedGen C0035335, MeSH D012175, MONDO:0008380, OMIM 180200, HP:0009919. Disease mechanism: loss of function. Inheritance: Both sporadic and heritable forms are tested..

Allele frequency attached by ClinVar (database versions not stated): gnomAD 0.00001.
gnomAD v4.1: 1 of 1,614,042 alleles (0.000062%); highest among the groups gnomAD compares: South Asian, 0.0011%; no homozygotes.

Submissions (2):

Ambry Genetics
Classification: Uncertain significance for Hereditary cancer-predisposing syndrome. Last evaluated: 2026-09-11. Review status: criteria provided, single submitter. Criteria: Ambry Variant Classification Scheme 2023. Collection method: clinical testing. Allele origin: germline.
Comment: The p.L665F variant (also known as c.1993C>T), located in coding exon 20 of the RB1 gene, results from a C to T substitution at nucleotide position 1993. The leucine at codon 665 is replaced by phenylalanine, an amino acid with highly similar properties. This amino acid position is highly conserved in available vertebrate species. In addition, this alteration is predicted to be deleterious by in silico analysis. Based on the available evidence, the clinical significance of this variant remains unclear.

Labcorp Genetics (formerly Invitae), Labcorp
Classification: Uncertain significance for Retinoblastoma. Last evaluated: 2022-10-25. Review status: criteria provided, single submitter. Criteria: Invitae Variant Classification Sherloc (09022015). Collection method: clinical testing. Allele origin: germline.
Comment: In summary, the available evidence is currently insufficient to determine the role of this variant in disease. Therefore, it has been classified as a Variant of Uncertain Significance. Advanced modeling of protein sequence and biophysical properties (such as structural, functional, and spatial information, amino acid conservation, physicochemical variation, residue mobility, and thermodynamic stability) performed at Invitae indicates that this missense variant is expected to disrupt RB1 protein function. This variant has not been reported in the literature in individuals affected with RB1-related conditions. This variant is not present in population databases (gnomAD no frequency). This sequence change replaces leucine, which is neutral and non-polar, with phenylalanine, which is neutral and non-polar, at codon 665 of the RB1 protein (p.Leu665Phe).

NM_000321.3(RB1):c.1993C>T (p.Leu665Phe)

Gene: RB1 (RB transcriptional corepressor 1; plus strand). Cytogenetic location: 13q14.2.
Variant type: single nucleotide variant.
Coding change: c.1993C>T on transcript NM_000321.3 (MANE Select); coding-DNA position 1993, C replaced by T.
Protein change: p.Leu665Phe; replaces leucine 665 with phenylalanine.
Molecular consequence: missense variant.
Genome position (GRCh38, 1-based): chr13:48,459,720, C>T. VCF-style: chr13-48459720-C-T. GRCh37 (hg19) VCF-style: chr13-49033856-C-T.
Other names: c.1993C>T, p.Leu665Phe (NM_001407165.1); short protein forms L665F.
Identifiers: ClinVar variation 1941247 (VCV001941247.7), dbSNP rs2138335971, ClinGen allele CA388166723.